The following is an entry in ClinVar:

NM_005159.5(ACTC1):c.574A>G (p.Met192Val)

Genes: GJD2-DT (GJD2 divergent transcript; plus strand), ACTC1 (actin alpha cardiac muscle 1; minus strand). Cytogenetic location: 15q14.
Variant type: single nucleotide variant.
Coding change: c.574A>G on transcript NM_005159.5 (MANE Select); coding-DNA position 574, A replaced by G.
Protein change: p.Met192Val; replaces methionine 192 with valine.
Molecular consequence: missense variant.
Genome position (GRCh38, 1-based): chr15:34,792,450, T>C on the plus strand (A>G on the coding strand, the complement: ACTC1 is on the minus strand). VCF-style: chr15-34792450-T-C. GRCh37 (hg19) VCF-style: chr15-35084651-T-C.
Other names: c.574A>G (LRG_388t1); short protein forms M192V.
Identifiers: ClinVar variation 478618 (VCV000478618.8), dbSNP rs1555418823, ClinGen allele CA391630937.

ClinVar aggregate classification (germline): Uncertain significance (1 of 4 stars; one submission).

Conditions:
Atrial septal defect 5 (ASD5). Identifiers: Orphanet 1478, MedGen C2748552, MONDO:0013011, OMIM 612794.
Dilated cardiomyopathy 1R (CMD1R). Identifiers: Orphanet 154, Orphanet 54260, MedGen C3150681, MONDO:0013261, OMIM 613424.
Hypertrophic cardiomyopathy 11. Also called: ACTC1-Related Familial Hypertrophic Cardiomyopathy. Identifiers: MedGen C2677506, MONDO:0012799, OMIM 612098.

Submission:

Labcorp Genetics (formerly Invitae), Labcorp
Classification: Uncertain significance for Dilated cardiomyopathy 1R; Hypertrophic cardiomyopathy 11; Atrial septal defect 5. Last evaluated: 2022-02-10. Review status: criteria provided, single submitter. Criteria: Invitae Variant Classification Sherloc (09022015). Collection method: clinical testing. Allele origin: germline.
Comment: In summary, the available evidence is currently insufficient to determine the role of this variant in disease. Therefore, it has been classified as a Variant of Uncertain Significance. Algorithms developed to predict the effect of missense changes on protein structure and function are either unavailable or do not agree on the potential impact of this missense change (SIFT: "Deleterious"; PolyPhen-2: "Benign"; Align-GVGD: "Class C15"). ClinVar contains an entry for this variant (Variation ID: 478618). This variant has not been reported in the literature in individuals affected with ACTC1-related conditions. This variant is not present in population databases (gnomAD no frequency). This sequence change replaces methionine, which is neutral and non-polar, with valine, which is neutral and non-polar, at codon 192 of the ACTC1 protein (p.Met192Val).